The following is an entry in ClinVar:

ClinVar aggregate classification (germline): Pathogenic (1 of 4 stars; one submission).

Conditions:
Facioscapulohumeral muscular dystrophy 2 (FSHD2). Also called: FSHD2, DIGENIC; MUSCULAR DYSTROPHY, FACIOSCAPULOHUMERAL, TYPE 1B; FACIOSCAPULOHUMERAL MUSCULAR DYSTROPHY 2, DIGENIC. Identifiers: Orphanet 269, MedGen C1834671, MONDO:0008031, OMIM 158901.

Submission:

Labcorp Genetics (formerly Invitae), Labcorp
Classification: Pathogenic for Facioscapulohumeral muscular dystrophy 2. Last evaluated: 2021-04-14. Review status: criteria provided, single submitter. Criteria: Invitae Variant Classification Sherloc (09022015). Collection method: clinical testing. Allele origin: germline.
Comment: For these reasons, this variant has been classified as Pathogenic. This variant has not been reported in the literature in individuals with SMCHD1-related conditions. This variant is a gross deletion of the genomic region encompassing exon(s) 1 of the SMCHD1 gene, which includes the initiator codon. The 5' end of this event is unknown as it extends beyond the assayed region for this gene and therefore may encompass additional genes. The 3' boundary is likely confined to intron 1 of the SMCHD1 gene. It is expected to result in an absent or disrupted protein product. Loss-of-function variants in SMCHD1 are known to be pathogenic (PMID: 23143600).

Literature cited by the submitters: PubMed 23143600.

NC_000018.9:g.(?_2656075)_(2656280_?)del

Gene: SMCHD1 (structural maintenance of chromosomes flexible hinge domain containing 1; plus strand). Cytogenetic location: 18p11.32.
Variant type: Deletion.
Identifiers: ClinVar variation 1380939 (VCV001380939.4).